The following is an entry in ClinVar:

ClinVar aggregate classification (germline): Uncertain significance. Review status: criteria provided, multiple submitters, no conflicts (2 of 4 stars). 3 submissions from 3 submitters: Uncertain significance (3). Last evaluated 2024-01-26.

Allele frequency attached by ClinVar (database versions not stated): gnomAD exomes 0.00001; gnomAD 0.00002; TOPMed 0.00002.
gnomAD v4.1: 10 of 1,522,930 alleles (0.00066%); highest among the groups gnomAD compares: Admixed American, 0.02%; no homozygotes.

Submissions (3):

Mayo Clinic Laboratories, Mayo Clinic
Classification: Uncertain significance. Last evaluated: 2024-01-26. Review status: criteria provided, single submitter. Criteria: ACMG Guidelines, 2015. Collection method: clinical testing. Allele origin: germline. Observed: 1 variant allele.
Comment: BP4, PM2_moderate

Revvity Omics, Revvity
Classification: Uncertain significance. Last evaluated: 2023-03-10. Review status: criteria provided, single submitter. Criteria: ACMG Guidelines, 2015. Collection method: clinical testing. Allele origin: germline.

Blueprint Genetics
Classification: Uncertain significance. Last evaluated: 2022-08-31. Review status: criteria provided, single submitter. Criteria: ACMG Guidelines, 2015. Collection method: clinical testing. Allele origin: germline.

NM_001142864.4(PIEZO1):c.1291A>T (p.Met431Leu)

Genes: HSALR1 (HSP90AB1 associated lncRNA 1; plus strand), PIEZO1 (piezo type mechanosensitive ion channel component 1 (Er blood group); minus strand). Cytogenetic location: 16q24.3.
Variant type: single nucleotide variant.
Coding change: c.1291A>T on transcript NM_001142864.4 (MANE Select); coding-DNA position 1291, A replaced by T.
Protein change: p.Met431Leu; replaces methionine 431 with leucine.
Molecular consequence: missense variant.
Genome position (GRCh38, 1-based): chr16:88,736,644, T>A on the plus strand (A>T on the coding strand, the complement: PIEZO1 is on the minus strand). VCF-style: chr16-88736644-T-A. GRCh37 (hg19) VCF-style: chr16-88803052-T-A.
Other names: p.Met431Leu; short protein forms M431L.
Identifiers: ClinVar variation 2689741 (VCV002689741.4), dbSNP rs933747730, ClinGen allele CA286433389.